The following is an entry in ClinVar:

NM_001093.4(ACACB):c.1422G>C (p.Pro474=)

Gene: ACACB (acetyl-CoA carboxylase beta; plus strand). Cytogenetic location: 12q24.11.
Variant type: single nucleotide variant.
Coding change: c.1422G>C on transcript NM_001093.4 (MANE Select); coding-DNA position 1422, G replaced by C.
Protein change: p.Pro474=; no amino-acid change (proline 474 retained).
Molecular consequence: synonymous variant.
Genome position (GRCh38, 1-based): chr12:109,176,248, G>C. VCF-style: chr12-109176248-G-C. GRCh37 (hg19) VCF-style: chr12-109614053-G-C.
Other names: c.1422G>C, p.Pro474= (NM_001412734.1, NM_001412735.1); c.816G>C, p.Pro272= (NM_001412736.1, NM_001412738.1, NM_001412739.1 and 2 more transcripts); c.795G>C, p.Pro265= (NM_001412737.1).
Identifiers: ClinVar variation 3054364 (VCV003054364.2), dbSNP rs753684257, ClinGen allele CA481698077.

ClinVar aggregate classification (germline): Likely benign (0 of 4 stars; one submission).

Conditions:
ACACB-related disorder. Also called: ACACB-related condition.

Allele frequency attached by ClinVar (database versions not stated): TOPMed below 0.00001.
gnomAD v4.1: 2 of 1,614,122 alleles (0.00012%); highest among the groups gnomAD compares: Non-Finnish European, 0.00017%; no homozygotes.

Submission:

PreventionGenetics, part of Exact Sciences
Classification: Likely benign for ACACB-related condition. Last evaluated: 2020-04-20. Review status: no assertion criteria provided. Collection method: clinical testing. Allele origin: germline.
Comment: This variant is classified as likely benign based on ACMG/AMP sequence variant interpretation guidelines (Richards et al. 2015 PMID: 25741868, with internal and published modifications).